The following is an entry in ClinVar:

NM_000548.5(TSC2):c.5110T>A (p.Ser1704Thr)

Gene: TSC2 (TSC complex subunit 2; plus strand). Cytogenetic location: 16p13.3.
Variant type: single nucleotide variant.
Coding change: c.5110T>A on transcript NM_000548.5 (MANE Select); coding-DNA position 5110, T replaced by A.
Protein change: p.Ser1704Thr; replaces serine 1704 with threonine.
Molecular consequence: missense variant.
Genome position (GRCh38, 1-based): chr16:2,088,089, T>A. VCF-style: chr16-2088089-T-A. GRCh37 (hg19) VCF-style: chr16-2138090-T-A.
Other names: c.4909T>A, p.Ser1637Thr (NM_001077183.3); c.5041T>A, p.Ser1681Thr (NM_001114382.3); c.4801T>A, p.Ser1601Thr (NM_001318827.2); c.4765T>A, p.Ser1589Thr (NM_001318829.2); c.4378T>A, p.Ser1460Thr (NM_001318831.2); c.4942T>A, p.Ser1648Thr (NM_001318832.2); c.4912T>A, p.Ser1638Thr (NM_001363528.2); c.4978T>A, p.Ser1660Thr (NM_001370404.1); and 1 more; short protein forms S1704T, S1601T, S1637T, S1638T, S1648T, S1660T, S1681T, S1460T.
Identifiers: ClinVar variation 49348 (VCV000049348.24), dbSNP rs45474691, ClinGen allele CA021746.
Genomic context (GRCh38, chr16:2,088,089, plus strand): 5'-GACCACCAAGTCTCCCCAGACATGGAGGGCCTTGTGGACACCAGCGTGGCCAAGATCGTG[T>A]CTGACCGCAACCTGCCCTTCGTGGCCCGCCAGATGGCCCTGCACGCAAATGTGAGTGGGG-3'
Protein context (NP_000539.2, residues 1694-1714): LVDTSVAKIV[Ser1704Thr]DRNLPFVARQ

ClinVar aggregate classification (germline): Conflicting classifications of pathogenicity. Review status: criteria provided, conflicting classifications (1 of 4 stars). 6 submissions from 6 submitters: Uncertain significance (2); Likely benign (3). 1 of the submissions does not count toward it. Last evaluated 2025-12-01.

Conditions:
Tuberous sclerosis syndrome (TSC). Also called: Tuberous Sclerosis Complex; Tuberous sclerosis. Identifiers: Orphanet 805, MedGen C0041341, MONDO:0001734.
Hereditary cancer-predisposing syndrome. Also called: Neoplastic Syndromes, Hereditary; Tumor predisposition; Hereditary Cancer Syndrome; Hereditary neoplastic syndrome. Identifiers: Orphanet 140162, MedGen C0027672, MeSH D009386, MONDO:0015356.
Tuberous sclerosis 2 (TSC2). Identifiers: Orphanet 805, MedGen C1860707, MONDO:0013199, OMIM 613254.

Allele frequency attached by ClinVar (database versions not stated): gnomAD 0.00001; TOPMed 0.00002.
gnomAD v4.1: 27 of 1,612,736 alleles (0.0017%); highest among the groups gnomAD compares: Non-Finnish European, 0.0022%; no homozygotes.

Submissions (6):

Ambry Genetics
Classification: Uncertain significance for Hereditary cancer-predisposing syndrome. Last evaluated: 2025-12-01. Review status: criteria provided, single submitter. Criteria: Ambry Variant Classification Scheme 2023. Collection method: clinical testing. Allele origin: germline.
Comment: The p.S1704T variant (also known as c.5110T>A), located in coding exon 39 of the TSC2 gene, results from a T to A substitution at nucleotide position 5110. The serine at codon 1704 is replaced by threonine, an amino acid with similar properties. This alteration was detected in an individual with sporadic TSC; however, limited data was presented (Niida Y et al. Hum. Mutat., 1999;14:412-22). This variant was also reported in a cohort of patients with an autism spectrum disorder (Bahl S et al. Mol Autism, 2013 Mar;4:5). This variant has also been detected in multiple individuals with no reported features of tuberous sclerosis complex (Ambry internal data).This amino acid position is highly conserved in available vertebrate species. In addition, this alteration is predicted to be deleterious by in silico analysis. Since supporting evidence is limited at this time, the clinical significance of this alteration remains unclear.

Labcorp Genetics (formerly Invitae), Labcorp
Classification: Likely benign for Tuberous sclerosis 2. Last evaluated: 2025-10-07. Review status: criteria provided, single submitter. Criteria: Invitae Variant Classification Sherloc (09022015). Collection method: clinical testing. Allele origin: germline.

All of Us Research Program, National Institutes of Health
Classification: Uncertain significance for Tuberous sclerosis syndrome. Last evaluated: 2024-09-23. Review status: criteria provided, single submitter. Criteria: ACMG Guidelines, 2015. Collection method: clinical testing. Allele origin: germline. Inheritance: Autosomal dominant inheritance. Observed: 2 variant alleles, 2 heterozygotes.
Comment: This study involves interpretation of variants in research participants for the purpose of population health screening. Participant phenotype was not available at the time of variant classification. Additional details can be found in publication PMID: 35346344, PMCID: PMC8962531

GeneDx
Classification: Likely benign. Last evaluated: 2022-06-02. Review status: criteria provided, single submitter. Criteria: GeneDx Variant Classification Process June 2021. Collection method: clinical testing. Allele origin: germline. Affected: yes.
Comment: See Variant Classification Assertion Criteria.

Genome-Nilou Lab
Classification: Likely benign for Tuberous sclerosis 2. Last evaluated: 2021-11-07. Review status: criteria provided, single submitter. Criteria: ACMG Guidelines, 2015. Collection method: clinical testing. Allele origin: germline. Affected: no.

Tuberous sclerosis database (TSC2)
No classification provided. Condition: TSC. Review status: no classification provided. Criteria: Tuberous Sclerosis Database Assertion Criteria 2015. Collection method: curation. Allele origin: germline. Affected: yes. Not counted in ClinVar's aggregate classification.

Literature cited by the submitters: PubMed 10533067 (cited by Ambry Genetics); PubMed 23514105 (cited by Ambry Genetics).